The following is an entry in ClinVar:

ClinVar aggregate classification (germline): Uncertain significance. Review status: criteria provided, multiple submitters, no conflicts (2 of 4 stars). 3 submissions from 3 submitters: Uncertain significance (3). Last evaluated 2025-10-06.

Conditions:
Cardiovascular phenotype. Identifiers: MedGen CN230736.
Long QT syndrome (LQTS). Identifiers: MedGen C0023976, MeSH D008133, MONDO:0002442. Disease mechanism: loss of function. Inheritance: Various modes of inheritance.
Cardiac arrhythmia, ankyrin-B-related. Also called: ANKYRIN-B SYNDROME. Identifiers: Orphanet 101016, Orphanet 768, MedGen C1970119, MONDO:0010958, OMIM 600919.

Allele frequency attached by ClinVar (database versions not stated): gnomAD exomes 0.00001; ExAC 0.00002; TOPMed 0.00003; gnomAD 0.00007; 1000 Genomes Project 30x 0.00016; 1000 Genomes Project 0.00020.
gnomAD v4.1: 28 of 1,614,004 alleles (0.0017%); highest among the groups gnomAD compares: African/African-American, 0.033%; no homozygotes.

Submissions (3):

Ambry Genetics
Classification: Uncertain significance for Cardiovascular phenotype. Last evaluated: 2025-10-06. Review status: criteria provided, single submitter. Criteria: Ambry Variant Classification Scheme 2023. Collection method: clinical testing. Allele origin: germline.

Labcorp Genetics (formerly Invitae), Labcorp
Classification: Uncertain significance for Long QT syndrome. Last evaluated: 2025-09-02. Review status: criteria provided, single submitter. Criteria: Invitae Variant Classification Sherloc (09022015). Collection method: clinical testing. Allele origin: germline.
Comment: This sequence change replaces cysteine, which is neutral and slightly polar, with tyrosine, which is neutral and polar, at codon 2890 of the ANK2 protein (p.Cys2890Tyr). This variant is present in population databases (rs372710129, gnomAD 0.02%). This variant has not been reported in the literature in individuals affected with ANK2-related conditions. ClinVar contains an entry for this variant (Variation ID: 653196). An algorithm developed to predict the effect of missense changes on protein structure and function outputs the following: PolyPhen-2: "Benign". The tyrosine amino acid residue is found in multiple mammalian species, which suggests that this missense change does not adversely affect protein function. In summary, the available evidence is currently insufficient to determine the role of this variant in disease. Therefore, it has been classified as a Variant of Uncertain Significance.

Fulgent Genetics
Classification: Uncertain significance for Cardiac arrhythmia, ankyrin-B-related. Last evaluated: 2022-02-11. Review status: criteria provided, single submitter. Criteria: ACMG Guidelines, 2015. Collection method: clinical testing. Allele origin: unknown.

NM_001148.6(ANK2):c.8669G>A (p.Cys2890Tyr)

Gene: ANK2 (ankyrin 2; plus strand). Cytogenetic location: 4q26.
Variant type: single nucleotide variant.
Coding change: c.8669G>A on transcript NM_001148.6 (MANE Select); coding-DNA position 8669, G replaced by A.
Protein change: p.Cys2890Tyr; replaces cysteine 2890 with tyrosine.
Molecular consequence: missense variant. On other transcripts: intron variant (68).
Genome position (GRCh38, 1-based): chr4:113,357,287, G>A. VCF-style: chr4-113357287-G-A. GRCh37 (hg19) VCF-style: chr4-114278443-G-A.
Other names: c.8435G>A, p.Cys2812Tyr (NM_001386142.1); c.5069G>A, p.Cys1690Tyr (NM_001386166.1); c.8810G>A, p.Cys2937Tyr (NM_001386174.1); c.8786G>A, p.Cys2929Tyr (NM_001386175.1); c.4412-3536G>A (NM_001386186.2, NM_001386148.2); c.4214-3536G>A (NM_001354269.3); c.4292-3536G>A (NM_001386187.2); c.4253-3536G>A (NM_001386147.1); and 35 more; short protein forms C2890Y, C1690Y, C2812Y, C2929Y, C2937Y.
Identifiers: ClinVar variation 653196 (VCV000653196.9), dbSNP rs372710129, ClinGen allele CA3051809.